The following is an entry in ClinVar:

NM_015973.5(GAL):c.47C>T (p.Ala16Val)

Gene: GAL (galanin and GMAP prepropeptide; plus strand). Cytogenetic location: 11q13.2.
Variant type: single nucleotide variant.
Coding change: c.47C>T on transcript NM_015973.5 (MANE Select); coding-DNA position 47, C replaced by T.
Protein change: p.Ala16Val; replaces alanine 16 with valine.
Molecular consequence: missense variant.
Genome position (GRCh38, 1-based): chr11:68,684,970, C>T. VCF-style: chr11-68684970-C-T. GRCh37 (hg19) VCF-style: chr11-68452438-C-T.
Other names: c.47C>T (NM_015973.4); short protein forms A16V.
Identifiers: ClinVar variation 475915 (VCV000475915.14), dbSNP rs34725707, ClinGen allele CA6151404.

ClinVar aggregate classification (germline): Benign. Review status: criteria provided, multiple submitters, no conflicts (2 of 4 stars). 3 submissions from 3 submitters: Benign (2). 1 of the submissions does not count toward it. Last evaluated 2025-12-15.

Conditions:
Familial temporal lobe epilepsy 8. Identifiers: Orphanet 101046, MedGen C4225318, MONDO:0014650, OMIM 616461.
GAL-related disorder. Also called: GAL-related condition.

Allele frequency attached by ClinVar (database versions not stated): 1000 Genomes Project 0.00319; 1000 Genomes Project 30x 0.00359; gnomAD 0.00748 and 0.00793; ESP Exome Variant Server 0.00750; TOPMed 0.00760; ExAC 0.00933.
gnomAD v4.1: 14,837 of 1,608,498 alleles (0.92%); highest among the groups gnomAD compares: Middle Eastern, 1.7%; 112 homozygotes.

Submissions (3):

Labcorp Genetics (formerly Invitae), Labcorp
Classification: Benign for Familial temporal lobe epilepsy 8. Last evaluated: 2025-12-15. Review status: criteria provided, single submitter. Criteria: Invitae Variant Classification Sherloc (09022015). Collection method: clinical testing. Allele origin: germline.

Breakthrough Genomics
Classification: Benign. Review status: criteria provided, single submitter. Criteria: ACMG Guidelines, 2015. Collection method: not provided. Allele origin: germline. Inheritance: Autosomal dominant inheritance. Affected: yes.

PreventionGenetics, part of Exact Sciences
Classification: Likely benign for GAL-related condition. Last evaluated: 2019-03-21. Review status: no assertion criteria provided. Collection method: clinical testing. Allele origin: germline. Not counted in ClinVar's aggregate classification.
Comment: This variant is classified as likely benign based on ACMG/AMP sequence variant interpretation guidelines (Richards et al. 2015 PMID: 25741868, with internal and published modifications).